The following is an entry in ClinVar:

NM_014249.4(NR2E3):c.500G>C (p.Arg167Thr)

Gene: NR2E3 (nuclear receptor subfamily 2 group E member 3; plus strand). Cytogenetic location: 15q23.
Variant type: single nucleotide variant.
Coding change: c.500G>C on transcript NM_014249.4 (MANE Select); coding-DNA position 500, G replaced by C.
Protein change: p.Arg167Thr; replaces arginine 167 with threonine.
Molecular consequence: missense variant.
Genome position (GRCh38, 1-based): chr15:71,812,105, G>C. VCF-style: chr15-71812105-G-C. GRCh37 (hg19) VCF-style: chr15-72104445-G-C.
Other names: c.500G>C, p.Arg167Thr (NM_016346.4); short protein forms R167T.
Identifiers: ClinVar variation 1936242 (VCV001936242.2), dbSNP rs1041183114, ClinGen allele CA272575193.

ClinVar aggregate classification (germline): Uncertain significance (1 of 4 stars; one submission).

Allele frequency attached by ClinVar (database versions not stated): TOPMed below 0.00001.

Submission:

Labcorp Genetics (formerly Invitae), Labcorp
Classification: Uncertain significance. Last evaluated: 2022-09-25. Review status: criteria provided, single submitter. Criteria: Invitae Variant Classification Sherloc (09022015). Collection method: clinical testing. Allele origin: germline.
Comment: This sequence change replaces arginine, which is basic and polar, with threonine, which is neutral and polar, at codon 167 of the NR2E3 protein (p.Arg167Thr). This variant is not present in population databases (gnomAD no frequency). This variant has not been reported in the literature in individuals affected with NR2E3-related conditions. Experimental studies and prediction algorithms are not available or were not evaluated, and the functional significance of this variant is currently unknown. In summary, the available evidence is currently insufficient to determine the role of this variant in disease. Therefore, it has been classified as a Variant of Uncertain Significance.